The following is an entry in ClinVar:

NM_000400.4(ERCC2):c.1944G>C (p.Glu648Asp)

Gene: ERCC2 (ERCC excision repair 2, TFIIH core complex helicase subunit; minus strand). Cytogenetic location: 19q13.32.
Variant type: single nucleotide variant.
Coding change: c.1944G>C on transcript NM_000400.4 (MANE Select); coding-DNA position 1944, G replaced by C.
Protein change: p.Glu648Asp; replaces glutamic acid 648 with aspartic acid.
Molecular consequence: missense variant.
Genome position (GRCh38, 1-based): chr19:45,352,608, C>G on the plus strand (G>C on the coding strand, the complement: ERCC2 is on the minus strand). VCF-style: chr19-45352608-C-G. GRCh37 (hg19) VCF-style: chr19-45855866-C-G.
Other names: short protein forms E648D.
Identifiers: ClinVar variation 2114026 (VCV002114026.4), dbSNP rs756931913, ClinGen allele CA406363389.
Genomic context (GRCh38, chr19:45,352,608, plus strand): 5'-GATGGCCCGACCCACACACTGGGCCGCGTGGCGCATGGCATCGAAGGTAAGAAAGTCATT[C>G]TCACGAATCTGGAACTGGTCCCGCAGGTATTCCAGCCGCGCCTGCAGATACGGAGGATGA-3'
Protein context (NP_000391.1, residues 638-658): EYLRDQFQIR[Glu648Asp]NDFLTFDAMR

ClinVar aggregate classification (germline): Uncertain significance (1 of 4 stars; one submission).

Submission:

Labcorp Genetics (formerly Invitae), Labcorp
Classification: Uncertain significance. Last evaluated: 2022-03-18. Review status: criteria provided, single submitter. Criteria: Invitae Variant Classification Sherloc (09022015). Collection method: clinical testing. Allele origin: germline.
Comment: In summary, the available evidence is currently insufficient to determine the role of this variant in disease. Therefore, it has been classified as a Variant of Uncertain Significance. Algorithms developed to predict the effect of missense changes on protein structure and function are either unavailable or do not agree on the potential impact of this missense change (SIFT: "Deleterious"; PolyPhen-2: "Probably Damaging"; Align-GVGD: "Class C0"). This variant has not been reported in the literature in individuals affected with ERCC2-related conditions. This variant is not present in population databases (gnomAD no frequency). This sequence change replaces glutamic acid, which is acidic and polar, with aspartic acid, which is acidic and polar, at codon 648 of the ERCC2 protein (p.Glu648Asp).